The following is an entry in ClinVar:

NM_019066.5(MAGEL2):c.1387del (p.Ala463fs)

Gene: MAGEL2 (MAGE family member L2; minus strand). Cytogenetic location: 15q11.2.
Variant type: Deletion.
Coding change: c.1387del on transcript NM_019066.5 (MANE Select); coding-DNA position 1387, one base deleted (G; older notation c.1387delG).
Protein change: p.Ala463fs; shifts the reading frame from alanine 463.
Molecular consequence: frameshift variant.
Genome position (GRCh38, 1-based): chr15:23,646,356, C deleted on the plus strand (G on the coding strand, the reverse complement: MAGEL2 is on the minus strand). VCF-style (leftmost placement, unchanged base first): chr15-23646355-GC-G. GRCh37 (hg19) VCF-style: chr15-23891502-GC-G.
Other names: short protein forms A463fs.
Identifiers: ClinVar variation 4981863 (VCV004981863.1).
Genomic context (GRCh38, chr15:23,646,355, plus strand): 5'-GGAGCCTGGCGGATCACAGGTGGGGCCTGGCGGATCACAGGTGGGGCCTGGCGGATCACA[GC>G]GGGGGCCTGGCGGATCACGGGTGGGGCCTGGCGGATCACGGGTGGGGCCTGGCGGATCAC-3'

ClinVar aggregate classification (germline): Uncertain significance (1 of 4 stars; one submission).

Conditions:
MAGEL2-related disorder. Also called: MAGEL2-related condition.

Submission:

PreventionGenetics, part of Exact Sciences
Classification: Uncertain significance for MAGEL2-related condition. Last evaluated: 2026-05-01. Review status: criteria provided, single submitter. Criteria: ACMG Guidelines, 2015. Collection method: clinical testing. Allele origin: germline.
Comment: The MAGEL2 c.1387delG variant is predicted to result in a frameshift and premature protein termination (p.Ala463Leufs*2). To our knowledge, this variant has not been reported in the literature. This variant is reported in 0.035% of alleles in individuals of African descent in gnomAD. At this time, the clinical significance of this variant is uncertain due to the absence of conclusive functional and genetic evidence.